The following is an entry in ClinVar:

NM_015910.7(WDPCP):c.30C>T (p.Tyr10=)

Gene: WDPCP (WD repeat containing planar cell polarity effector; minus strand). Cytogenetic location: 2p15.
Variant type: single nucleotide variant.
Coding change: c.30C>T on transcript NM_015910.7 (MANE Select); coding-DNA position 30, C replaced by T.
Protein change: p.Tyr10=; no amino-acid change (tyrosine 10 retained).
Molecular consequence: synonymous variant. On other transcripts: 5 prime UTR variant (1), non-coding transcript variant (2).
Genome position (GRCh38, 1-based): chr2:63,588,242, G>A on the plus strand (C>T on the coding strand, the complement: WDPCP is on the minus strand). VCF-style: chr2-63588242-G-A. GRCh37 (hg19) VCF-style: chr2-63815376-G-A.
Other names: c.30C>T (NM_015910.5); c.-295C>T (NM_001354044.2); c.30C>T, p.Tyr10= (NM_001354045.2).
Identifiers: ClinVar variation 1642110 (VCV001642110.10), dbSNP rs1248204391, ClinGen allele CA426392280.

ClinVar aggregate classification (germline): Likely benign. Review status: criteria provided, single submitter (1 of 4 stars). 2 submissions from 2 submitters: Likely benign (1). 1 of the submissions does not count toward it. Last evaluated 2022-11-08.

Conditions:
Bardet-Biedl syndrome (BBS). Identifiers: Orphanet 110, MedGen C0752166, MONDO:0015229.
WDPCP-related disorder. Also called: WDPCP-related condition.

Allele frequency attached by ClinVar (database versions not stated): gnomAD exomes below 0.00001 and 0.00001; TOPMed below 0.00001; gnomAD 0.00001.
gnomAD v4.1: 3 of 1,578,672 alleles (0.00019%); highest among the groups gnomAD compares: East Asian, 0.0023%; no homozygotes.

Submissions (2):

Labcorp Genetics (formerly Invitae), Labcorp
Classification: Likely benign for Bardet-Biedl syndrome. Last evaluated: 2022-11-08. Review status: criteria provided, single submitter. Criteria: Invitae Variant Classification Sherloc (09022015). Collection method: clinical testing. Allele origin: germline.

PreventionGenetics, part of Exact Sciences
Classification: Likely benign for WDPCP-related condition. Last evaluated: 2022-01-24. Review status: no assertion criteria provided. Collection method: clinical testing. Allele origin: germline. Not counted in ClinVar's aggregate classification.
Comment: This variant is classified as likely benign based on ACMG/AMP sequence variant interpretation guidelines (Richards et al. 2015 PMID: 25741868, with internal and published modifications).